The following is an entry in ClinVar:

ClinVar aggregate classification (germline): Benign (1 of 4 stars; one submission).

Conditions:
Familial colorectal cancer type X. Identifiers: Orphanet 440437, MedGen C3896578, MONDO:0018604.

gnomAD v4.1: 10 of 1,471,618 alleles (0.00068%); highest among the groups gnomAD compares: South Asian, 0.0073%; no homozygotes.

Submission:

Myriad Genetics, Inc.
Classification: Benign for Familial colorectal cancer type X. Last evaluated: 2026-08-04. Review status: criteria provided, single submitter. Criteria: Myriad Autosomal Dominant, Autosomal Recessive and X-Linked Classification Criteria (2023). Collection method: clinical testing. Allele origin: unknown.
Comment: This variant is considered benign. This variant is a silent/synonymous amino acid change and it is not expected to impact splicing.

NM_001146227.3(RPS20):c.339C>T (p.Ile113=)

Gene: RPS20 (ribosomal protein S20; minus strand). Cytogenetic location: 8q12.1.
Variant type: single nucleotide variant.
Coding change: c.339C>T on transcript NM_001146227.3; coding-DNA position 339, C replaced by T.
Protein change: p.Ile113=; no amino-acid change (isoleucine 113 retained).
Molecular consequence: synonymous variant.
Genome position (GRCh38, 1-based): chr8:56,069,828, G>A on the plus strand (C>T on the coding strand, the complement: RPS20 is on the minus strand). VCF-style: chr8-56069828-G-A. GRCh37 (hg19) VCF-style: chr8-56982387-G-A.
Identifiers: ClinVar variation 5042195 (VCV005042195.1).